The following is an entry in ClinVar:

ClinVar aggregate classification (germline): Uncertain significance (1 of 4 stars; one submission).

Submission:

Labcorp Genetics (formerly Invitae), Labcorp
Classification: Uncertain significance. Last evaluated: 2020-01-27. Review status: criteria provided, single submitter. Criteria: Invitae Variant Classification Sherloc (09022015). Collection method: clinical testing. Allele origin: germline.
Comment: In summary, the available evidence is currently insufficient to determine the role of this variant in disease. Therefore, it has been classified as a Variant of Uncertain Significance. Algorithms developed to predict the effect of missense changes on protein structure and function are either unavailable or do not agree on the potential impact of this missense change (SIFT: "Deleterious"; PolyPhen-2: "Probably Damaging"; Align-GVGD: "Class C0"). This variant has not been reported in the literature in individuals with SZT2-related disease. This variant is not present in population databases (ExAC no frequency). This sequence change replaces glycine with aspartic acid at codon 305 of the SZT2 protein (p.Gly305Asp). The glycine residue is weakly conserved and there is a moderate physicochemical difference between glycine and aspartic acid.

NM_001365999.1(SZT2):c.914G>A (p.Gly305Asp)

Gene: SZT2 (SZT2 subunit of KICSTOR complex; plus strand). Cytogenetic location: 1p34.2.
Variant type: single nucleotide variant.
Coding change: c.914G>A on transcript NM_001365999.1 (MANE Select); coding-DNA position 914, G replaced by A.
Protein change: p.Gly305Asp; replaces glycine 305 with aspartic acid.
Molecular consequence: missense variant.
Genome position (GRCh38, 1-based): chr1:43,419,768, G>A. VCF-style: chr1-43419768-G-A. GRCh37 (hg19) VCF-style: chr1-43885439-G-A.
Other names: c.914G>A, p.Gly305Asp (NM_015284.4); short protein forms G305D.
Identifiers: ClinVar variation 660994 (VCV000660994.8), dbSNP rs1570618280, ClinGen allele CA340005851.